The following is an entry in ClinVar:

ClinVar aggregate classification (germline): Uncertain significance (1 of 4 stars; one submission).

Conditions:
Lethal congenital glycogen storage disease of heart. Also called: GLYCOGEN STORAGE DISEASE OF HEART; PHOSPHORYLASE KINASE DEFICIENCY OF HEART. Identifiers: Orphanet 439854, MedGen C1849813, MONDO:0009867, OMIM 261740.

gnomAD v4.1: 11 of 1,613,464 alleles (0.00068%); highest among the groups gnomAD compares: South Asian, 0.0011%; no homozygotes.

Submission:

Labcorp Genetics (formerly Invitae), Labcorp
Classification: Uncertain significance for Lethal congenital glycogen storage disease of heart. Last evaluated: 2025-09-07. Review status: criteria provided, single submitter. Criteria: Invitae Variant Classification Sherloc (09022015). Collection method: clinical testing. Allele origin: germline.
Comment: This sequence change replaces glutamic acid, which is acidic and polar, with alanine, which is neutral and non-polar, at codon 465 of the PRKAG2 protein (p.Glu465Ala). This variant is present in population databases (no rsID available, gnomAD 0.003%). This variant has not been reported in the literature in individuals affected with PRKAG2-related conditions. ClinVar contains an entry for this variant (Variation ID: 3730427). Invitae Evidence Modeling of protein sequence and biophysical properties (such as structural, functional, and spatial information, amino acid conservation, physicochemical variation, residue mobility, and thermodynamic stability) indicates that this missense variant is not expected to disrupt PRKAG2 protein function with a negative predictive value of 95%. In summary, the available evidence is currently insufficient to determine the role of this variant in disease. Therefore, it has been classified as a Variant of Uncertain Significance.

NM_016203.4(PRKAG2):c.1394A>C (p.Glu465Ala)

Gene: PRKAG2 (protein kinase AMP-activated non-catalytic subunit gamma 2; minus strand). Cytogenetic location: 7q36.1.
Variant type: single nucleotide variant.
Coding change: c.1394A>C on transcript NM_016203.4 (MANE Select); coding-DNA position 1394, A replaced by C.
Protein change: p.Glu465Ala; replaces glutamic acid 465 with alanine.
Molecular consequence: missense variant.
Genome position (GRCh38, 1-based): chr7:151,565,725, T>G on the plus strand (A>C on the coding strand, the complement: PRKAG2 is on the minus strand). VCF-style: chr7-151565725-T-G. GRCh37 (hg19) VCF-style: chr7-151262811-T-G.
Other names: c.1262A>C, p.Glu421Ala (NM_001040633.2, NM_001407024.1); c.1019A>C, p.Glu340Ala (NM_001304527.2, NM_001407029.1); c.671A>C, p.Glu224Ala (NM_001304531.2, NM_001407034.1, NM_001407035.1 and 1 more transcripts); c.1022A>C, p.Glu341Ala (NM_001363698.2, NM_001407028.1); c.1394A>C, p.Glu465Ala (NM_001407021.1); c.1391A>C, p.Glu464Ala (NM_001407022.1, NM_001407023.1); c.1259A>C, p.Glu420Ala (NM_001407026.1, NM_001407027.1); c.1106A>C, p.Glu369Ala (NM_001407030.1); and 6 more; short protein forms E369A, E464A, E465A, E223A, E224A, E341A, E359A, E420A.
Identifiers: ClinVar variation 3730427 (VCV003730427.2).
Genomic context (GRCh38, chr7:151,565,725, plus strand): 5'-AATTGCACCCTGAGATAAACAATTATTTCTGCCTGTCAGCGCCAAACACACAAACCTGAC[T>G]CATCCACAACAGGCAGAGCTGATATTCGTCTTTCCACAAATATGTTCAAGGCTTTGATGA-3'
Protein context (NP_057287.2, residues 455-475): RRISALPVVD[Glu465Ala]SGKVVDIYSK